The following is an entry in ClinVar:

ClinVar aggregate classification (germline): Uncertain significance (1 of 4 stars; one submission).

Allele frequency attached by ClinVar (database versions not stated): gnomAD exomes below 0.00001 and 0.00001; ExAC 0.00001.
gnomAD v4.1: 14 of 1,614,208 alleles (0.00087%); highest among the groups gnomAD compares: Non-Finnish European, 0.0011%; no homozygotes.

Submission:

Labcorp Genetics (formerly Invitae), Labcorp
Classification: Uncertain significance. Last evaluated: 2024-02-24. Review status: criteria provided, single submitter. Criteria: Invitae Variant Classification Sherloc (09022015). Collection method: clinical testing. Allele origin: germline.
Comment: This sequence change replaces serine, which is neutral and polar, with proline, which is neutral and non-polar, at codon 482 of the CYP4V2 protein (p.Ser482Pro). This variant is present in population databases (rs757530466, gnomAD 0.0009%). This variant has not been reported in the literature in individuals affected with CYP4V2-related conditions. ClinVar contains an entry for this variant (Variation ID: 1052065). Advanced modeling of protein sequence and biophysical properties (such as structural, functional, and spatial information, amino acid conservation, physicochemical variation, residue mobility, and thermodynamic stability) performed at Invitae indicates that this missense variant is expected to disrupt CYP4V2 protein function with a positive predictive value of 80%. In summary, the available evidence is currently insufficient to determine the role of this variant in disease. Therefore, it has been classified as a Variant of Uncertain Significance.

NM_207352.4(CYP4V2):c.1444T>C (p.Ser482Pro)

Gene: CYP4V2 (cytochrome P450 family 4 subfamily V member 2; plus strand). Cytogenetic location: 4q35.2.
Variant type: single nucleotide variant.
Coding change: c.1444T>C on transcript NM_207352.4 (MANE Select); coding-DNA position 1444, T replaced by C.
Protein change: p.Ser482Pro; replaces serine 482 with proline.
Molecular consequence: missense variant.
Genome position (GRCh38, 1-based): chr4:186,210,507, T>C. VCF-style: chr4-186210507-T-C. GRCh37 (hg19) VCF-style: chr4-187131661-T-C.
Other names: short protein forms S482P.
Identifiers: ClinVar variation 1052065 (VCV001052065.9), dbSNP rs757530466, ClinGen allele CA3162866.